The following is an entry in ClinVar:

NM_001967.4(EIF4A2):c.1028C>T (p.Ser343Phe)

Gene: EIF4A2 (eukaryotic translation initiation factor 4A2; plus strand). Cytogenetic location: 3q27.3.
Variant type: single nucleotide variant.
Coding change: c.1028C>T on transcript NM_001967.4 (MANE Select); coding-DNA position 1028, C replaced by T.
Protein change: p.Ser343Phe; replaces serine 343 with phenylalanine.
Molecular consequence: missense variant.
Genome position (GRCh38, 1-based): chr3:186,787,831, C>T. VCF-style: chr3-186787831-C-T. GRCh37 (hg19) VCF-style: chr3-186505620-C-T.
Other names: short protein forms S343F.
Identifiers: ClinVar variation 4721516 (VCV004721516.1).

ClinVar aggregate classification (germline): Uncertain significance (1 of 4 stars; one submission).

Submission:

Labcorp Genetics (formerly Invitae), Labcorp
Classification: Uncertain significance. Last evaluated: 2025-06-15. Review status: criteria provided, single submitter. Criteria: Invitae Variant Classification Sherloc (09022015). Collection method: clinical testing. Allele origin: germline.
Comment: This sequence change replaces serine, which is neutral and polar, with phenylalanine, which is neutral and non-polar, at codon 343 of the EIF4A2 protein (p.Ser343Phe). This variant is not present in population databases (gnomAD no frequency). This variant has not been reported in the literature in individuals affected with EIF4A2-related conditions. An algorithm developed to predict the effect of missense changes on protein structure and function (PolyPhen-2) suggests that this variant is likely to be disruptive. In summary, the available evidence is currently insufficient to determine the role of this variant in disease. Therefore, it has been classified as a Variant of Uncertain Significance.